The following is an entry in ClinVar:

GRCh38/hg38 2q13(chr2:110084194-110212693)x1

Genes: MALL (mal, T cell differentiation protein like; minus strand), MIR4436B1 (microRNA 4436b-1; minus strand), MTLN (mitoregulin; minus strand), NPHP1 (nephrocystin 1; minus strand), LOC126806305 (BRD4-independent group 4 enhancer GRCh37_chr2:110863055-110864254; plus strand) and 2 more. Cytogenetic location: 2q13.
Variant type: copy number loss.
Change: copy number 1 (one copy instead of two) of chr2:110,084,194-110,212,693 (128.5 kb, GRCh38 coordinates, 1-based), cytogenetic band 2q13.
Identifiers: ClinVar variation 59745 (VCV000059745.2).

ClinVar aggregate classification (germline): Benign (1 of 4 stars; one submission).

Submission:

ISCA Site 6
Classification: Benign. Last evaluated: 2011-08-12. Review status: criteria provided, single submitter. Criteria: Kaminsky et al. (Genet Med. 2011). Collection method: clinical testing. Allele origin: unknown. Affected: yes. Observed: 1 variant allele.
Comment: Copy number variation identified through the course of routine clinical cytogenomic testing in postnatal populations. Clinical assertions have been curated as described in Kaminsky et al. 2011.